The following is an entry in ClinVar:

NM_000135.4(FANCA):c.3480G>C (p.Gln1160His)

Gene: FANCA (FA complementation group A; minus strand). Cytogenetic location: 16q24.3.
Variant type: single nucleotide variant.
Coding change: c.3480G>C on transcript NM_000135.4 (MANE Select); coding-DNA position 3480, G replaced by C.
Protein change: p.Gln1160His; replaces glutamine 1160 with histidine.
Molecular consequence: missense variant.
Genome position (GRCh38, 1-based): chr16:89,746,617, C>G on the plus strand (G>C on the coding strand, the complement: FANCA is on the minus strand). VCF-style: chr16-89746617-C-G. GRCh37 (hg19) VCF-style: chr16-89813025-C-G.
Other names: c.3480G>C, p.Gln1160His (NM_001286167.3); c.3480G>C (NM_000135.2); short protein forms Q1160H.
Identifiers: ClinVar variation 1054789 (VCV001054789.10), dbSNP rs983310870, ClinGen allele CA397485883.
Genomic context (GRCh38, chr16:89,746,617, plus strand): 5'-AAACACCAAACAAGACAGCTGACCCACCAGAGCAGAGGTCAAAATTAAGGGGCATTTCGT[C>G]TGGCACTTGGCCAGTATGAAGTCGACCATCAGGGAGGGGTCTCTGCTCCGCAGACAGGCG-3'
Protein context (NP_000126.2, residues 1150-1170): LMVDFILAKC[Gln1160His]TKCPLILTSA

ClinVar aggregate classification (germline): Uncertain significance. Review status: criteria provided, multiple submitters, no conflicts (2 of 4 stars). 2 submissions from 2 submitters: Uncertain significance (2). Last evaluated 2026-07-19.

Conditions:
Fanconi anemia (FA). Also called: Fanconi's anemia. Identifiers: Orphanet 84, MedGen C0015625, MeSH D005199, MONDO:0019391.
Inborn genetic diseases. Identifiers: MedGen C0950123, MeSH D030342.

Submissions (2):

Ambry Genetics
Classification: Uncertain significance for Inborn genetic diseases. Last evaluated: 2026-07-19. Review status: criteria provided, single submitter. Criteria: Ambry Variant Classification Scheme 2023. Collection method: clinical testing. Allele origin: germline.
Comment: The p.Q1160H variant (also known as c.3480G>C), located in coding exon 35 of the FANCA gene, results from a G to C substitution at nucleotide position 3480. The glutamine at codon 1160 is replaced by histidine, an amino acid with highly similar properties. This amino acid position is conserved. In addition, the in silico prediction for this alteration is inconclusive. Based on the available evidence, the clinical significance of this variant remains unclear.

Labcorp Genetics (formerly Invitae), Labcorp
Classification: Uncertain significance for Fanconi anemia. Last evaluated: 2020-10-08. Review status: criteria provided, single submitter. Criteria: Invitae Variant Classification Sherloc (09022015). Collection method: clinical testing. Allele origin: germline.
Comment: Algorithms developed to predict the effect of missense changes on protein structure and function (SIFT, PolyPhen-2, Align-GVGD) all suggest that this variant is likely to be tolerated, but these predictions have not been confirmed by published functional studies and their clinical significance is uncertain. In summary, the available evidence is currently insufficient to determine the role of this variant in disease. Therefore, it has been classified as a Variant of Uncertain Significance. This variant has not been reported in the literature in individuals with FANCA-related conditions. This variant is not present in population databases (ExAC no frequency). This sequence change replaces glutamine with histidine at codon 1160 of the FANCA protein (p.Gln1160His). The glutamine residue is highly conserved and there is a small physicochemical difference between glutamine and histidine.